The following is an entry in ClinVar:

NM_017636.4(TRPM4):c.1570G>C (p.Ala524Pro)

Gene: TRPM4 (transient receptor potential cation channel subfamily M member 4; plus strand). Cytogenetic location: 19q13.33.
Variant type: single nucleotide variant.
Coding change: c.1570G>C on transcript NM_017636.4 (MANE Select); coding-DNA position 1570, G replaced by C.
Protein change: p.Ala524Pro; replaces alanine 524 with proline.
Molecular consequence: missense variant. On other transcripts: intron variant (1).
Genome position (GRCh38, 1-based): chr19:49,182,884, G>C. VCF-style: chr19-49182884-G-C. GRCh37 (hg19) VCF-style: chr19-49686141-G-C.
Other names: c.1570G>C, p.Ala524Pro (NM_001195227.2); c.1225G>C, p.Ala409Pro (NM_001321281.2); c.1048G>C, p.Ala350Pro (NM_001321283.2); c.508G>C, p.Ala170Pro (NM_001321285.2); c.-1+17G>C (NM_001321282.2); short protein forms A409P, A350P, A524P, A170P.
Identifiers: ClinVar variation 1476156 (VCV001476156.10), dbSNP rs898326272, ClinGen allele CA309443109.

ClinVar aggregate classification (germline): Uncertain significance. Review status: criteria provided, multiple submitters, no conflicts (2 of 4 stars). 2 submissions from 2 submitters: Uncertain significance (2). Last evaluated 2025-12-16.

Conditions:
Progressive familial heart block type IB (PFHB1B). Identifiers: Orphanet 871, MedGen C1970298, MONDO:0011474, OMIM 604559.
Cardiovascular phenotype. Identifiers: MedGen CN230736.

Allele frequency attached by ClinVar (database versions not stated): gnomAD exomes 0.00001.
gnomAD v4.1: 4 of 1,601,960 alleles (0.00025%); highest among the groups gnomAD compares: Middle Eastern, 0.035%; no homozygotes.

Submissions (2):

Labcorp Genetics (formerly Invitae), Labcorp
Classification: Uncertain significance for Progressive familial heart block type IB. Last evaluated: 2025-12-16. Review status: criteria provided, single submitter. Criteria: Invitae Variant Classification Sherloc (09022015). Collection method: clinical testing. Allele origin: germline.
Comment: This sequence change replaces alanine, which is neutral and non-polar, with proline, which is neutral and non-polar, at codon 524 of the TRPM4 protein (p.Ala524Pro). This variant is not present in population databases (gnomAD no frequency). This variant has not been reported in the literature in individuals affected with TRPM4-related conditions. ClinVar contains an entry for this variant (Variation ID: 1476156). An algorithm developed to predict the effect of missense changes on protein structure and function (PolyPhen-2) suggests that this variant is likely to be tolerated. In summary, the available evidence is currently insufficient to determine the role of this variant in disease. Therefore, it has been classified as a Variant of Uncertain Significance.

Ambry Genetics
Classification: Uncertain significance for Cardiovascular phenotype. Last evaluated: 2022-08-16. Review status: criteria provided, single submitter. Criteria: Ambry Variant Classification Scheme 2023. Collection method: clinical testing. Allele origin: germline.
Comment: The p.A524P variant (also known as c.1570G>C), located in coding exon 11 of the TRPM4 gene, results from a G to C substitution at nucleotide position 1570. The alanine at codon 524 is replaced by proline, an amino acid with highly similar properties. This amino acid position is conserved. In addition, this alteration is predicted to be tolerated by in silico analysis. Since supporting evidence is limited at this time, the clinical significance of this alteration remains unclear.